The following is an entry in ClinVar:

ClinVar aggregate classification (germline): Uncertain significance. Review status: criteria provided, multiple submitters, no conflicts (2 of 4 stars). 2 submissions from 2 submitters: Uncertain significance (2). Last evaluated 2025-08-13.

Conditions:
Pityriasis rubra pilaris (PRP). Also called: Pityriasis rubra pilaris--familial type. Identifiers: Orphanet 2897, MedGen C0032027, MONDO:0100017, OMIM 173200, MONDO:0008251.
Psoriasis 2. Identifiers: MedGen C1864497, MONDO:0011269, OMIM 602723.
Inborn genetic diseases. Identifiers: MedGen C0950123, MeSH D030342.

Submissions (2):

Ambry Genetics
Classification: Uncertain significance for Inborn genetic diseases. Last evaluated: 2025-08-13. Review status: criteria provided, single submitter. Criteria: Ambry Variant Classification Scheme 2023. Collection method: clinical testing. Allele origin: germline.

Labcorp Genetics (formerly Invitae), Labcorp
Classification: Uncertain significance for Pityriasis rubra pilaris; Psoriasis 2. Last evaluated: 2019-08-22. Review status: criteria provided, single submitter. Criteria: Invitae Variant Classification Sherloc (09022015). Collection method: clinical testing. Allele origin: germline.
Comment: In summary, the available evidence is currently insufficient to determine the role of this variant in disease. Therefore, it has been classified as a Variant of Uncertain Significance. Algorithms developed to predict the effect of missense changes on protein structure and function (SIFT, PolyPhen-2, Align-GVGD) all suggest that this variant is likely to be tolerated, but these predictions have not been confirmed by published functional studies and their clinical significance is uncertain. This variant has not been reported in the literature in individuals with CARD14-related conditions. This variant is not present in population databases (ExAC no frequency). This sequence change replaces serine with threonine at codon 370 of the CARD14 protein (p.Ser370Thr). The serine residue is weakly conserved and there is a small physicochemical difference between serine and threonine.

NM_001366385.1(CARD14):c.1109G>C (p.Ser370Thr)

Gene: CARD14 (caspase recruitment domain family member 14; plus strand). Cytogenetic location: 17q25.3.
Variant type: single nucleotide variant.
Coding change: c.1109G>C on transcript NM_001366385.1 (MANE Select); coding-DNA position 1109, G replaced by C.
Protein change: p.Ser370Thr; replaces serine 370 with threonine.
Molecular consequence: missense variant. On other transcripts: non-coding transcript variant (1).
Genome position (GRCh38, 1-based): chr17:80,191,342, G>C. VCF-style: chr17-80191342-G-C. GRCh37 (hg19) VCF-style: chr17-78165141-G-C.
Other names: c.1109G>C, p.Ser370Thr (NM_001257970.1, NM_024110.4); c.398G>C, p.Ser133Thr (NM_052819.3); c.1109G>C (NM_024110.3); short protein forms S133T, S370T.
Identifiers: ClinVar variation 955412 (VCV000955412.11), dbSNP rs2040521870, ClinGen allele CA401345758.